The following is an entry in ClinVar:

ClinVar aggregate classification (germline): Uncertain significance. Review status: criteria provided, multiple submitters, no conflicts (2 of 4 stars). 8 submissions from 8 submitters: Uncertain significance (8). Last evaluated 2025-12-30.

Conditions:
Hereditary cancer-predisposing syndrome. Also called: Hereditary Cancer Syndrome; Neoplastic Syndromes, Hereditary; Tumor predisposition; Hereditary neoplastic syndrome. Identifiers: Orphanet 140162, MedGen C0027672, MeSH D009386, MONDO:0015356.
Familial adenomatous polyposis 1 (FAP1). Also called: POLYPOSIS, ADENOMATOUS INTESTINAL; FAMILIAL ADENOMATOUS POLYPOSIS 1, ATTENUATED. Identifiers: MedGen C2713442, MONDO:0021056, OMIM 175100. Disease mechanism: loss of function.
Classic or attenuated familial adenomatous polyposis. Identifiers: MedGen CN372698, MONDO:0021057.

Allele frequency attached by ClinVar (database versions not stated): TOPMed below 0.00001; gnomAD 0.00001; gnomAD exomes 0.00001.
gnomAD v4.1: 6 of 1,613,936 alleles (0.00037%); highest among the groups gnomAD compares: Non-Finnish European, 0.00051%; no homozygotes.

Submissions (8):

Labcorp Genetics (formerly Invitae), Labcorp
Classification: Uncertain significance for Familial adenomatous polyposis 1. Last evaluated: 2025-12-30. Review status: criteria provided, single submitter. Criteria: Invitae Variant Classification Sherloc (09022015). Collection method: clinical testing. Allele origin: germline.
Comment: This sequence change replaces threonine, which is neutral and polar, with isoleucine, which is neutral and non-polar, at codon 2736 of the APC protein (p.Thr2736Ile). This variant is not present in population databases (gnomAD no frequency). This variant has not been reported in the literature in individuals affected with APC-related conditions. ClinVar contains an entry for this variant (Variation ID: 489503). Invitae Evidence Modeling of protein sequence and biophysical properties (such as structural, functional, and spatial information, amino acid conservation, physicochemical variation, residue mobility, and thermodynamic stability) indicates that this missense variant is not expected to disrupt APC protein function with a negative predictive value of 95%. In summary, the available evidence is currently insufficient to determine the role of this variant in disease. Therefore, it has been classified as a Variant of Uncertain Significance.

Institute of Immunology and Genetics Kaiserslautern
Classification: Uncertain significance for Familial adenomatous polyposis 1. Last evaluated: 2025-07-14. Review status: criteria provided, single submitter. Criteria: ACMG Guidelines, 2015. Collection method: clinical testing. Allele origin: germline. Affected: yes.
Comment: ACMG Criteria: PM2_P, BP4; Variant was found in heterozygous state and detected together with ATM(NM_000051.4):c.7463G>A.

Ambry Genetics
Classification: Uncertain significance for Hereditary cancer-predisposing syndrome. Last evaluated: 2024-12-19. Review status: criteria provided, single submitter. Criteria: Ambry Variant Classification Scheme 2023. Collection method: clinical testing. Allele origin: germline.
Comment: The p.T2736I variant (also known as c.8207C>T), located in coding exon 15 of the APC gene, results from a C to T substitution at nucleotide position 8207. The threonine at codon 2736 is replaced by isoleucine, an amino acid with similar properties. This amino acid position is well conserved in available vertebrate species. In addition, in silico predictors for this gene do not accurately predict pathogenicity. Missense alterations in APC are not a common cause of disease (Spier I et al. Genet Med. 2024 Feb;26(2):100992). Since supporting evidence is limited at this time, the clinical significance of this alteration remains unclear.

All of Us Research Program, National Institutes of Health
Classification: Uncertain significance for Classic or attenuated familial adenomatous polyposis. Last evaluated: 2024-09-23. Review status: criteria provided, single submitter. Criteria: ACMG Guidelines, 2015. Collection method: clinical testing. Allele origin: germline. Inheritance: Autosomal dominant inheritance. Observed: 2 variant alleles, 2 heterozygotes.
Comment: This missense variant replaces threonine with isoleucine at codon 2736 of the APC protein. Computational prediction is inconclusive regarding the impact of this variant on protein structure and function (internally defined REVEL score threshold 0.5 < inconclusive < 0.7, PMID: 27666373). To our knowledge, functional studies have not been reported for this variant. This variant has not been reported in individuals affected with hereditary cancer in the literature. This variant has not been identified in the general population by the Genome Aggregation Database (gnomAD). The available evidence is insufficient to determine the role of this variant in disease conclusively. Therefore, this variant is classified as a Variant of Uncertain Significance.

This study involves interpretation of variants in research participants for the purpose of population health screening. Participant phenotype was not available at the time of variant classification. Additional details can be found in publication PMID: 35346344, PMCID: PMC8962531

Color Diagnostics, LLC DBA Color Health
Classification: Uncertain significance for Hereditary cancer-predisposing syndrome. Last evaluated: 2024-03-06. Review status: criteria provided, single submitter. Criteria: ACMG Guidelines, 2015. Collection method: clinical testing. Allele origin: germline.
Comment: This missense variant replaces threonine with isoleucine at codon 2736 of the APC protein. Computational prediction is inconclusive regarding the impact of this variant on protein structure and function (internally defined REVEL score threshold 0.5 < inconclusive < 0.7, PMID: 27666373). To our knowledge, functional studies have not been reported for this variant. This variant has not been reported in individuals affected with hereditary cancer in the literature. This variant has not been identified in the general population by the Genome Aggregation Database (gnomAD). The available evidence is insufficient to determine the role of this variant in disease conclusively. Therefore, this variant is classified as a Variant of Uncertain Significance.

Baylor Genetics
Classification: Uncertain significance for Familial adenomatous polyposis 1. Last evaluated: 2024-01-20. Review status: criteria provided, single submitter. Criteria: ACMG Guidelines, 2015. Collection method: clinical testing. Allele origin: unknown.

Quest Diagnostics Nichols Institute San Juan Capistrano
Classification: Uncertain significance. Last evaluated: 2023-05-08. Review status: criteria provided, single submitter. Criteria: Quest Diagnostics criteria. Collection method: clinical testing. Allele origin: unknown.
Comment: To the best of our knowledge, this has not been reported in the published literature. It also has not been reported in large, multi-ethnic general populations. Analysis of this variant using bioinformatics tools for the prediction of the effect of amino acid changes on protein structure and function yielded predictions that this variant is benign. Based on the available information, we are unable to determine the clinical significance of this variant.

GeneDx
Classification: Uncertain significance. Last evaluated: 2019-05-24. Review status: criteria provided, single submitter. Criteria: GeneDx Variant Classification Process June 2021. Collection method: clinical testing. Allele origin: germline. Affected: yes.
Comment: Not observed at a significant frequency in large population cohorts (Lek et al., 2016); Has not been previously published as pathogenic or benign to our knowledge

NM_000038.6(APC):c.8207C>T (p.Thr2736Ile)

Gene: APC (APC regulator of Wnt signaling pathway; plus strand). Cytogenetic location: 5q22.2.
Variant type: single nucleotide variant.
Coding change: c.8207C>T on transcript NM_000038.6 (MANE Select); coding-DNA position 8207, C replaced by T.
Protein change: p.Thr2736Ile; replaces threonine 2736 with isoleucine.
Molecular consequence: missense variant.
Genome position (GRCh38, 1-based): chr5:112,843,801, C>T. VCF-style: chr5-112843801-C-T. GRCh37 (hg19) VCF-style: chr5-112179498-C-T.
Other names: c.8207C>T, p.Thr2736Ile (NM_001127510.3, NM_001354895.2); c.8153C>T, p.Thr2718Ile (NM_001127511.3); c.8261C>T, p.Thr2754Ile (NM_001354896.2); c.8237C>T, p.Thr2746Ile (NM_001354897.2); c.8132C>T, p.Thr2711Ile (NM_001354898.2); c.8123C>T, p.Thr2708Ile (NM_001354899.2); c.8084C>T, p.Thr2695Ile (NM_001354900.2); c.8030C>T, p.Thr2677Ile (NM_001354901.2); and 5 more; short protein forms T2718I, T2736I, T2695I, T2708I, T2645I, T2711I, T2746I, T2610I.
Identifiers: ClinVar variation 489503 (VCV000489503.32), dbSNP rs1291474243, ClinGen allele CA16039149.
Genomic context (GRCh38, chr5:112,843,801, plus strand): 5'-TGGGTTTGGAAAATCGCCTGAACTCCTTTATTCAGGTGGATGCCCCTGACCAAAAAGGAA[C>T]TGAGATAAAACCAGGACAAAATAATCCTGTCCCTGTATCAGAGACTAATGAAAGTTCTAT-3'
Protein context (NP_000029.2, residues 2726-2746): IQVDAPDQKG[Thr2736Ile]EIKPGQNNPV